The following is an entry in ClinVar:

ClinVar aggregate classification (germline): Uncertain significance. Review status: criteria provided, multiple submitters, no conflicts (2 of 4 stars). 2 submissions from 2 submitters: Uncertain significance (2). Last evaluated 2024-04-27.

Allele frequency attached by ClinVar (database versions not stated): ESP Exome Variant Server 0.00008.
gnomAD v4.1: 24 of 1,613,058 alleles (0.0015%); highest among the groups gnomAD compares: Non-Finnish European, 0.0019%; no homozygotes.

Submissions (2):

Labcorp Genetics (formerly Invitae), Labcorp
Classification: Uncertain significance. Last evaluated: 2024-04-27. Review status: criteria provided, single submitter. Criteria: Invitae Variant Classification Sherloc (09022015). Collection method: clinical testing. Allele origin: germline.
Comment: This sequence change replaces isoleucine, which is neutral and non-polar, with threonine, which is neutral and polar, at codon 1606 of the FBN3 protein (p.Ile1606Thr). This variant is present in population databases (rs142068873, gnomAD 0.003%). This variant has not been reported in the literature in individuals affected with FBN3-related conditions. Advanced modeling of protein sequence and biophysical properties (such as structural, functional, and spatial information, amino acid conservation, physicochemical variation, residue mobility, and thermodynamic stability) performed at Invitae indicates that this missense variant is not expected to disrupt FBN3 protein function with a negative predictive value of 80%. In summary, the available evidence is currently insufficient to determine the role of this variant in disease. Therefore, it has been classified as a Variant of Uncertain Significance.

Ambry Genetics
Classification: Uncertain significance. Last evaluated: 2024-01-22. Review status: criteria provided, single submitter. Criteria: Ambry Variant Classification Scheme 2023. Collection method: clinical testing. Allele origin: germline.

NM_032447.5(FBN3):c.4817T>C (p.Ile1606Thr)

Gene: FBN3 (fibrillin 3; minus strand). Cytogenetic location: 19p13.2.
Variant type: single nucleotide variant.
Coding change: c.4817T>C on transcript NM_032447.5 (MANE Select); coding-DNA position 4817, T replaced by C.
Protein change: p.Ile1606Thr; replaces isoleucine 1606 with threonine.
Molecular consequence: missense variant.
Genome position (GRCh38, 1-based): chr19:8,103,684, A>G on the plus strand (T>C on the coding strand, the complement: FBN3 is on the minus strand). VCF-style: chr19-8103684-A-G. GRCh37 (hg19) VCF-style: chr19-8168568-A-G.
Other names: c.4817T>C, p.Ile1606Thr (NM_001321431.2); short protein forms I1606T.
Identifiers: ClinVar variation 3093389 (VCV003093389.3), dbSNP rs142068873, ClinGen allele CA9151894.